The following is an entry in ClinVar:

ClinVar aggregate classification (germline): Likely benign (1 of 4 stars; one submission).

Submission:

CeGaT Center for Human Genetics Tuebingen
Classification: Likely benign. Last evaluated: 2023-01-01. Review status: criteria provided, single submitter. Criteria: CeGaT Center For Human Genetics Tuebingen Variant Classification Criteria Version 2. Collection method: clinical testing. Allele origin: germline. Affected: yes. Observed: 1 variant allele.
Comment: VAC14: BP4, BP7

NM_018052.5(VAC14):c.138C>A (p.Thr46=)

Gene: VAC14 (VAC14 component of PIKFYVE complex; minus strand). Cytogenetic location: 16q22.1.
Variant type: single nucleotide variant.
Coding change: c.138C>A on transcript NM_018052.5 (MANE Select); coding-DNA position 138, C replaced by A.
Protein change: p.Thr46=; no amino-acid change (threonine 46 retained).
Molecular consequence: synonymous variant. On other transcripts: intron variant (1).
Genome position (GRCh38, 1-based): chr16:70,786,332, G>T on the plus strand (C>A on the coding strand, the complement: VAC14 is on the minus strand). VCF-style: chr16-70786332-G-T. GRCh37 (hg19) VCF-style: chr16-70820235-G-T.
Other names: c.-447-463C>A (NM_001351157.2).
Identifiers: ClinVar variation 2646687 (VCV002646687.24), dbSNP rs1258663399, ClinGen allele CA496242936.